The following is an entry in ClinVar:

ClinVar aggregate classification (germline): Uncertain significance (1 of 4 stars; one submission).

gnomAD v4.1: 1 of 1,154,340 alleles (0.000087%); highest among the groups gnomAD compares: Non-Finnish European, 0.00011%; no homozygotes.

Submission:

GeneDx
Classification: Uncertain significance. Last evaluated: 2026-08-12. Review status: criteria provided, single submitter. Criteria: GeneDx Variant Classification Process June 2021. Collection method: clinical testing. Allele origin: germline.
Comment: Not observed at significant frequency in large population cohorts (gnomAD); In silico analysis suggests that this missense variant does not alter protein structure/function; Has not been previously published as pathogenic or benign to our knowledge; This variant is associated with the following publications: (PMID: 20300201)

NM_139058.3(ARX):c.722A>G (p.Glu241Gly)

Gene: ARX (aristaless related homeobox; minus strand). Cytogenetic location: Xp21.3.
Variant type: single nucleotide variant.
Coding change: c.722A>G on transcript NM_139058.3 (MANE Select); coding-DNA position 722, A replaced by G.
Protein change: p.Glu241Gly; replaces glutamic acid 241 with glycine.
Molecular consequence: missense variant.
Genome position (GRCh38, 1-based): chrX:25,013,273, T>C on the plus strand (A>G on the coding strand, the complement: ARX is on the minus strand). VCF-style: chrX-25013273-T-C. GRCh37 (hg19) VCF-style: chrX-25031390-T-C.
Other names: short protein forms E241G.
Identifiers: ClinVar variation 3899544 (VCV003899544.2).
Genomic context (GRCh38, chrX:25,013,273, plus strand): 5'-TTGAGCAGCGCGCGGGCGTCGTCCTCCAGCAGCTCCTCCTCGTCGTCCTCCAGCAGTTCC[T>C]CTTCCTCGTCCTCATCTTCTTCGTCCTCCAGCAGCTCCTCCTCGTCGTCCTCGGTGCCGG-3'
Protein context (NP_620689.1, residues 231-251): LEDEEDEDEE[Glu241Gly]ELLEDDEEEL